The following is an entry in ClinVar:

ClinVar aggregate classification (germline): Uncertain significance. Review status: criteria provided, multiple submitters, no conflicts (2 of 4 stars). 2 submissions from 2 submitters: Uncertain significance (2). Last evaluated 2025-04-14.

Conditions:
Bethlem myopathy 1A. Also called: Bethlem Muscular Dystrophy; MYOPATHY, BENIGN CONGENITAL, WITH CONTRACTURES; Bethlem myopathy 1. Identifiers: Orphanet 610, MedGen CN029274, MONDO:0024530, OMIM 158810.

Allele frequency attached by ClinVar (database versions not stated): TOPMed below 0.00001; ExAC 0.00001; gnomAD exomes 0.00001.
gnomAD v4.1: 8 of 1,612,118 alleles (0.0005%); highest among the groups gnomAD compares: Non-Finnish European, 0.00059%; no homozygotes.

Submissions (2):

GeneDx
Classification: Uncertain significance. Last evaluated: 2025-04-14. Review status: criteria provided, single submitter. Criteria: GeneDx Variant Classification Process June 2021. Collection method: clinical testing. Allele origin: germline. Affected: yes.
Comment: Not observed at significant frequency in large population cohorts (gnomAD); In silico analysis supports that this missense variant has a deleterious effect on protein structure/function; Has not been previously published as pathogenic or benign to our knowledge

Labcorp Genetics (formerly Invitae), Labcorp
Classification: Uncertain significance for Bethlem myopathy 1A. Last evaluated: 2022-09-23. Review status: criteria provided, single submitter. Criteria: Invitae Variant Classification Sherloc (09022015). Collection method: clinical testing. Allele origin: germline.
Comment: In summary, the available evidence is currently insufficient to determine the role of this variant in disease. Therefore, it has been classified as a Variant of Uncertain Significance. Advanced modeling of protein sequence and biophysical properties (such as structural, functional, and spatial information, amino acid conservation, physicochemical variation, residue mobility, and thermodynamic stability) performed at Invitae indicates that this missense variant is expected to disrupt COL6A2 protein function. This variant has not been reported in the literature in individuals affected with COL6A2-related conditions. This variant is present in population databases (rs747786824, gnomAD 0.003%). This sequence change replaces leucine, which is neutral and non-polar, with phenylalanine, which is neutral and non-polar, at codon 772 of the COL6A2 protein (p.Leu772Phe).

NM_001849.4(COL6A2):c.2314C>T (p.Leu772Phe)

Gene: COL6A2 (collagen type VI alpha 2 chain; plus strand). Cytogenetic location: 21q22.3.
Variant type: single nucleotide variant.
Coding change: c.2314C>T on transcript NM_001849.4 (MANE Select); coding-DNA position 2314, C replaced by T.
Protein change: p.Leu772Phe; replaces leucine 772 with phenylalanine.
Molecular consequence: missense variant.
Genome position (GRCh38, 1-based): chr21:46,126,129, C>T. VCF-style: chr21-46126129-C-T. GRCh37 (hg19) VCF-style: chr21-47546043-C-T.
Other names: c.2314C>T, p.Leu772Phe (NM_058174.3, NM_058175.3); short protein forms L772F.
Identifiers: ClinVar variation 2178617 (VCV002178617.5), dbSNP rs747786824, ClinGen allele CA10072514.